The following is an entry in ClinVar:

NM_017617.5(NOTCH1):c.6980G>A (p.Arg2327Gln)

Gene: NOTCH1 (notch receptor 1; minus strand). Cytogenetic location: 9q34.3.
Variant type: single nucleotide variant.
Coding change: c.6980G>A on transcript NM_017617.5 (MANE Select); coding-DNA position 6980, G replaced by A.
Protein change: p.Arg2327Gln; replaces arginine 2327 with glutamine.
Molecular consequence: missense variant.
Genome position (GRCh38, 1-based): chr9:136,496,759, C>T on the plus strand (G>A on the coding strand, the complement: NOTCH1 is on the minus strand). VCF-style: chr9-136496759-C-T. GRCh37 (hg19) VCF-style: chr9-139391211-C-T.
Other names: c.6980G>A, p.Arg2327Gln (LRG_1122t1); c.6980G>A (NM_017617.4); short protein forms R2327Q.
Identifiers: ClinVar variation 134956 (VCV000134956.25), dbSNP rs202065858, ClinGen allele CA161239.
Genomic context (GRCh38, chr9:136,496,759, plus strand): 5'-ACCATGCCATGCTGCAGGGAGGGGGCCTGTGTGCTCAGGGGGCCTGGTGCCACACTCCCC[C>T]GCAGAGGGTTGTATTGGTTCGGCACCATGCCGCTCTGCAGCCGGGACAGCCACTCGCATT-3'
Protein context (NP_060087.3, residues 2317-2337): GMVPNQYNPL[Arg2327Gln]GSVAPGPLST

ClinVar aggregate classification (germline): Conflicting classifications of pathogenicity. Review status: criteria provided, conflicting classifications (1 of 4 stars). 9 submissions from 9 submitters: Uncertain significance (1); Benign (1); Likely benign (3). 4 of the submissions do not count toward it. Last evaluated 2026-01-21.

Conditions:
NOTCH1-related disorder. Also called: NOTCH1-related condition; NOTCH1-related disorders.
Adams-Oliver syndrome 5 (AOS5). Identifiers: Orphanet 974, MedGen C4014970, MONDO:0014459, OMIM 616028.
Familial thoracic aortic aneurysm and aortic dissection (TAAD). Also called: Thoracic aortic aneurysms and dissections. Identifiers: Orphanet 91387, MedGen C4707243, MONDO:0019625.

Allele frequency attached by ClinVar (database versions not stated): gnomAD exomes 0.00021; ExAC 0.00022; ESP Exome Variant Server 0.00048; 1000 Genomes Project 0.00060; 1000 Genomes Project 30x 0.00078; gnomAD 0.00082 and 0.00088; TOPMed 0.00094.
gnomAD v4.1: 344 of 1,612,834 alleles (0.021%); highest among the groups gnomAD compares: African/African-American, 0.27%; 1 homozygote.

Submissions (9):

Labcorp Genetics (formerly Invitae), Labcorp
Classification: Likely benign for Adams-Oliver syndrome 5. Last evaluated: 2026-01-21. Review status: criteria provided, single submitter. Criteria: Invitae Variant Classification Sherloc (09022015). Collection method: clinical testing. Allele origin: germline.

Women's Health and Genetics/Laboratory Corporation of America, LabCorp
Classification: Likely benign. Last evaluated: 2024-01-15. Review status: criteria provided, single submitter. Criteria: LabCorp Variant Classification Summary - May 2015. Collection method: clinical testing. Allele origin: germline.

GeneDx
Classification: Likely benign. Last evaluated: 2020-12-29. Review status: criteria provided, single submitter. Criteria: GeneDx Variant Classification Process June 2021. Collection method: clinical testing. Allele origin: germline. Affected: yes.

CHEO Genetics Diagnostic Laboratory, Children's Hospital of Eastern Ontario
Classification: Benign for Familial thoracic aortic aneurysm and aortic dissection. Last evaluated: 2017-11-27. Review status: criteria provided, single submitter. Criteria: ACMG Guidelines, 2015. Collection method: clinical testing. Allele origin: germline.

Ambry Genetics
Classification: Uncertain significance for Familial thoracic aortic aneurysm and aortic dissection. Last evaluated: 2016-11-09. Review status: criteria provided, single submitter. Criteria: Ambry Variant Classification Scheme 2023. Collection method: clinical testing. Allele origin: germline.

PreventionGenetics, part of Exact Sciences
Classification: Likely benign for NOTCH1-related condition. Last evaluated: 2023-07-27. Review status: no assertion criteria provided. Collection method: clinical testing. Allele origin: germline. Not counted in ClinVar's aggregate classification.
Comment: This variant is classified as likely benign based on ACMG/AMP sequence variant interpretation guidelines (Richards et al. 2015 PMID: 25741868, with internal and published modifications).

ITMI
No classification provided. Condition: AllHighlyPenetrant. Last evaluated: 2013-09-19. Review status: no classification provided. Collection method: reference population. Allele origin: germline. Not counted in ClinVar's aggregate classification.
Comment: Please see associated publication for description of ethnicities

Clinical Genetics DNA and cytogenetics Diagnostics Lab, Erasmus MC, Erasmus Medical Center
Classification: Likely benign. Review status: no assertion criteria provided. Collection method: clinical testing. Allele origin: germline. Affected: yes. Study: VKGL Data-share Consensus. Not counted in ClinVar's aggregate classification.

Genome Diagnostics Laboratory, University Medical Center Utrecht
Classification: Likely benign. Review status: no assertion criteria provided. Collection method: clinical testing. Allele origin: germline. Affected: yes. Study: VKGL Data-share Consensus. Not counted in ClinVar's aggregate classification.

Literature cited by the submitters: PubMed 24943832 (cited by Women's Health and Genetics/Laboratory Corporation of America, LabCorp); PubMed 16614245 (cited by Women's Health and Genetics/Laboratory Corporation of America, LabCorp); PubMed 21670202 (cited by Women's Health and Genetics/Laboratory Corporation of America, LabCorp); PubMed 22210878 (cited by Women's Health and Genetics/Laboratory Corporation of America, LabCorp); PubMed 19635999 (cited by Women's Health and Genetics/Laboratory Corporation of America, LabCorp); PubMed 26837699 (cited by Women's Health and Genetics/Laboratory Corporation of America, LabCorp); PubMed 23086750 (cited by Women's Health and Genetics/Laboratory Corporation of America, LabCorp); PubMed 19245433 (cited by Women's Health and Genetics/Laboratory Corporation of America, LabCorp); PubMed 22077063 (cited by Women's Health and Genetics/Laboratory Corporation of America, LabCorp); PubMed 15472075 (cited by Women's Health and Genetics/Laboratory Corporation of America, LabCorp); PubMed 23734977 (cited by Women's Health and Genetics/Laboratory Corporation of America, LabCorp); PubMed 22858860 (cited by Women's Health and Genetics/Laboratory Corporation of America, LabCorp); PubMed 24728327 (cited by ITMI).